The following is an entry in ClinVar:

NM_019055.6(ROBO4):c.1687C>T (p.Leu563Phe)

Gene: ROBO4 (roundabout guidance receptor 4; minus strand). Cytogenetic location: 11q24.2.
Variant type: single nucleotide variant.
Coding change: c.1687C>T on transcript NM_019055.6 (MANE Select); coding-DNA position 1687, C replaced by T.
Protein change: p.Leu563Phe; replaces leucine 563 with phenylalanine.
Molecular consequence: missense variant.
Genome position (GRCh38, 1-based): chr11:124,891,560, G>A on the plus strand (C>T on the coding strand, the complement: ROBO4 is on the minus strand). VCF-style: chr11-124891560-G-A. GRCh37 (hg19) VCF-style: chr11-124761456-G-A.
Other names: c.1252C>T, p.Leu418Phe (NM_001301088.2); short protein forms L563F, L418F.
Identifiers: ClinVar variation 791181 (VCV000791181.8), dbSNP rs59946255, ClinGen allele CA6344836.

ClinVar aggregate classification (germline): Benign. Review status: criteria provided, multiple submitters, no conflicts (2 of 4 stars). 4 submissions from 4 submitters: Benign (3). 1 of the submissions does not count toward it. Last evaluated 2022-12-07.

Conditions:
ROBO4-related disorder. Also called: ROBO4-related condition.
Familial thoracic aortic aneurysm and aortic dissection (TAAD). Also called: Thoracic aortic aneurysms and dissections. Identifiers: Orphanet 91387, MedGen C4707243, MONDO:0019625.

Allele frequency attached by ClinVar (database versions not stated): gnomAD exomes 0.00202 and 0.00553; ExAC 0.00644; gnomAD 0.02097 and 0.02242; ESP Exome Variant Server 0.02215; TOPMed 0.02352; 1000 Genomes Project 0.02456; 1000 Genomes Project 30x 0.02577.
gnomAD v4.1: 6,250 of 1,614,198 alleles (0.39%); highest among the groups gnomAD compares: African/African-American, 7.2%; 212 homozygotes.

Submissions (4):

CHEO Genetics Diagnostic Laboratory, Children's Hospital of Eastern Ontario
Classification: Benign for Familial thoracic aortic aneurysm and aortic dissection. Last evaluated: 2022-12-07. Review status: criteria provided, single submitter. Criteria: ACMG Guidelines, 2015. Collection method: clinical testing. Allele origin: germline.

Labcorp Genetics (formerly Invitae), Labcorp
Classification: Benign. Last evaluated: 2019-12-31. Review status: criteria provided, single submitter. Criteria: Invitae Variant Classification Sherloc (09022015). Collection method: clinical testing. Allele origin: germline.

Breakthrough Genomics
Classification: Benign. Review status: criteria provided, single submitter. Criteria: ACMG Guidelines, 2015. Collection method: not provided. Allele origin: germline. Inheritance: Autosomal dominant inheritance. Affected: yes.

PreventionGenetics, part of Exact Sciences
Classification: Benign for ROBO4-related condition. Last evaluated: 2019-08-09. Review status: no assertion criteria provided. Collection method: clinical testing. Allele origin: germline. Not counted in ClinVar's aggregate classification.
Comment: This variant is classified as benign based on ACMG/AMP sequence variant interpretation guidelines (Richards et al. 2015 PMID: 25741868, with internal and published modifications).